The following is an entry in ClinVar:

NM_001903.5(CTNNA1):c.1385C>T (p.Pro462Leu)

Gene: CTNNA1 (catenin alpha 1; plus strand). Cytogenetic location: 5q31.2.
Variant type: single nucleotide variant.
Coding change: c.1385C>T on transcript NM_001903.5 (MANE Select); coding-DNA position 1385, C replaced by T.
Protein change: p.Pro462Leu; replaces proline 462 with leucine.
Molecular consequence: missense variant. On other transcripts: 5 prime UTR variant (4), intron variant (3).
Genome position (GRCh38, 1-based): chr5:138,904,437, C>T. VCF-style: chr5-138904437-C-T. GRCh37 (hg19) VCF-style: chr5-138240126-C-T.
Other names: c.275C>T, p.Pro92Leu (NM_001323991.1, NM_001323992.1, NM_001323993.1 and 17 more transcripts); c.1385C>T (NM_001903.4); c.1385C>T, p.Pro462Leu (NM_001290307.3, NM_001323982.2, NM_001323983.1 and 2 more transcripts); c.1076C>T, p.Pro359Leu (NM_001290309.3); c.1016C>T, p.Pro339Leu (NM_001290310.3); c.-123C>T (NM_001324006.1, NM_001324007.1, NM_001324008.1 and 1 more transcripts); c.32C>T, p.Pro11Leu (NM_001324012.1, NM_001324013.1); c.1297-13305C>T (NM_001323986.2); and 2 more; short protein forms P359L, P92L, P11L, P339L, P462L.
Identifiers: ClinVar variation 651177 (VCV000651177.18), dbSNP rs977288078, ClinGen allele CA128250562.
Genomic context (GRCh38, chr5:138,904,437, plus strand): 5'-ATAATGAAGAAGGTGTAAAGCTTGTTCGAATGTCTGCAAGCCAGTTAGAAGCCCTCTGTC[C>T]TCAGGTAAAGTACAACTGACACTGGTGACAGCATAACCAAATTAAATTTTGATTCAAGTG-3'
Protein context (NP_001894.2, residues 452-472): MSASQLEALC[Pro462Leu]QVINAALALA

ClinVar aggregate classification (germline): Uncertain significance. Review status: criteria provided, multiple submitters, no conflicts (2 of 4 stars). 6 submissions from 6 submitters: Uncertain significance (6). Last evaluated 2026-04-09.

Conditions:
CTNNA1-related disorder. Also called: CTNNA1-related condition.
Patterned macular dystrophy 2. Identifiers: Orphanet 99001, MedGen C1837029, MONDO:0012162, OMIM 608970.
Hereditary cancer-predisposing syndrome. Also called: Tumor predisposition; Hereditary Cancer Syndrome; Neoplastic Syndromes, Hereditary; Hereditary neoplastic syndrome. Identifiers: Orphanet 140162, MedGen C0027672, MeSH D009386, MONDO:0015356.

Allele frequency attached by ClinVar (database versions not stated): gnomAD 0.00004; TOPMed 0.00003; gnomAD exomes below 0.00001 and 0.00005.
gnomAD v4.1: 74 of 1,613,424 alleles (0.0046%); highest among the groups gnomAD compares: Non-Finnish European, 0.006%; no homozygotes.

Submissions (6):

Ambry Genetics
Classification: Uncertain significance for Hereditary cancer-predisposing syndrome. Last evaluated: 2026-04-09. Review status: criteria provided, single submitter. Criteria: Ambry Variant Classification Scheme 2023. Collection method: clinical testing. Allele origin: germline.

Labcorp Genetics (formerly Invitae), Labcorp
Classification: Uncertain significance. Last evaluated: 2025-11-18. Review status: criteria provided, single submitter. Criteria: Invitae Variant Classification Sherloc (09022015). Collection method: clinical testing. Allele origin: germline.
Comment: This sequence change replaces proline, which is neutral and non-polar, with leucine, which is neutral and non-polar, at codon 462 of the CTNNA1 protein (p.Pro462Leu). This variant is present in population databases (no rsID available, gnomAD 0.007%). This variant has not been reported in the literature in individuals affected with CTNNA1-related conditions. ClinVar contains an entry for this variant (Variation ID: 651177). Invitae Evidence Modeling of protein sequence and biophysical properties (such as structural, functional, and spatial information, amino acid conservation, physicochemical variation, residue mobility, and thermodynamic stability) has been performed for this missense variant. However, the output from this modeling did not meet the statistical confidence thresholds required to predict the impact of this variant on CTNNA1 protein function. In summary, the available evidence is currently insufficient to determine the role of this variant in disease. Therefore, it has been classified as a Variant of Uncertain Significance.

ARUP Laboratories, Molecular Genetics and Genomics, ARUP Laboratories
Classification: Uncertain significance for Patterned macular dystrophy 2. Last evaluated: 2024-12-26. Review status: criteria provided, single submitter. Criteria: ARUP Molecular Germline Variant Investigation Process 2024. Collection method: clinical testing. Allele origin: germline.
Comment: The CTNNA1 c.1385C>T; p.Pro462Leu variant (rs977288078, ClinVar Variation ID: 651177) is reported in the literature in individuals affected with breast or gastric cancer (Clark 2020). This variant is only observed on one allele in the Genome Aggregation Database (v2.1.1), indicating it is not a common polymorphism. Computational analyses are uncertain whether this variant is neutral or deleterious (REVEL: 0.679). Due to limited information, the clinical significance of this variant is uncertain at this time. References: Clark DF et al.Loss-of-function variants in CTNNA1 detected on multigene panel testing in individuals with gastric or breast cancer. Genet Med. 2020 May;22(5):840-846. PMID: 32051609.

GeneDx
Classification: Uncertain significance. Last evaluated: 2024-06-17. Review status: criteria provided, single submitter. Criteria: GeneDx Variant Classification Process June 2021. Collection method: clinical testing. Allele origin: germline. Affected: yes.
Comment: Not observed at significant frequency in large population cohorts (gnomAD); In silico analysis supports that this missense variant has a deleterious effect on protein structure/function; Observed in individuals referred for hereditary cancer multi-gene panel testing (PMID: 32051609); This variant is associated with the following publications: (PMID: 32051609)

Baylor Genetics
Classification: Uncertain significance for Patterned macular dystrophy 2. Last evaluated: 2024-03-11. Review status: criteria provided, single submitter. Criteria: ACMG Guidelines, 2015. Collection method: clinical testing. Allele origin: unknown.

PreventionGenetics, part of Exact Sciences
Classification: Uncertain significance for CTNNA1-related condition. Last evaluated: 2023-07-08. Review status: criteria provided, single submitter. Criteria: ACMG Guidelines, 2015. Collection method: clinical testing. Allele origin: germline.
Comment: The CTNNA1 c.1385C>T variant is predicted to result in the amino acid substitution p.Pro462Leu. This variant has been observed in a cohort of individual with gastric or breast cancer (Supplemental Table 1, Clark et al. 2020. PubMed ID: 32051609). This variant is reported in 0.0062% of alleles in individuals of African descent in gnomAD; and, it is interpreted as a variant of uncertain significance in ClinVar. At this time, the clinical significance of this variant is uncertain due to the absence of conclusive functional and genetic evidence.